The following is an entry in ClinVar:

NM_002880.4(RAF1):c.119G>T (p.Arg40Leu)

Gene: RAF1 (Raf-1 proto-oncogene, serine/threonine kinase; minus strand). Cytogenetic location: 3p25.2.
Variant type: single nucleotide variant.
Coding change: c.119G>T on transcript NM_002880.4 (MANE Select); coding-DNA position 119, G replaced by T.
Protein change: p.Arg40Leu; replaces arginine 40 with leucine.
Molecular consequence: missense variant. On other transcripts: 5 prime UTR variant (4), non-coding transcript variant (3).
Genome position (GRCh38, 1-based): chr3:12,618,603, C>A on the plus strand (G>T on the coding strand, the complement: RAF1 is on the minus strand). VCF-style: chr3-12618603-C-A. GRCh37 (hg19) VCF-style: chr3-12660102-C-A.
Other names: c.119G>T, p.Arg40Leu (NM_001354689.3, NM_001354690.3, NM_001354693.3); c.-12G>T (NM_001354691.3, NM_001354692.3, NM_001354694.3 and 1 more transcripts); short protein forms R40L.
Identifiers: ClinVar variation 4862953 (VCV004862953.1).

ClinVar aggregate classification (germline): Uncertain significance (1 of 4 stars; one submission).

Conditions:
Cardiovascular phenotype. Identifiers: MedGen CN230736.

Submission:

Ambry Genetics
Classification: Uncertain significance for Cardiovascular phenotype. Last evaluated: 2026-05-15. Review status: criteria provided, single submitter. Criteria: Ambry Variant Classification Scheme 2023. Collection method: clinical testing. Allele origin: germline.
Comment: The p.R40L variant (also known as c.119G>T), located in coding exon 1 of the RAF1 gene, results from a G to T substitution at nucleotide position 119. The arginine at codon 40 is replaced by leucine, an amino acid with dissimilar properties. This amino acid position is highly conserved in available vertebrate species. In addition, this alteration is predicted to be deleterious by in silico analysis. Based on the available evidence, the clinical significance of this variant remains unclear.